The following is an entry in ClinVar:

NM_005618.4(DLL1):c.50G>T (p.Cys17Phe)

Gene: DLL1 (delta like canonical Notch ligand 1; minus strand). Cytogenetic location: 6q27.
Variant type: single nucleotide variant.
Coding change: c.50G>T on transcript NM_005618.4 (MANE Select); coding-DNA position 50, G replaced by T.
Protein change: p.Cys17Phe; replaces cysteine 17 with phenylalanine.
Molecular consequence: missense variant.
Genome position (GRCh38, 1-based): chr6:170,290,090, C>A on the plus strand (G>T on the coding strand, the complement: DLL1 is on the minus strand). VCF-style: chr6-170290090-C-A. GRCh37 (hg19) VCF-style: chr6-170599178-C-A.
Other names: short protein forms C17F.
Identifiers: ClinVar variation 4705040 (VCV004705040.1).

ClinVar aggregate classification (germline): Uncertain significance (1 of 4 stars; one submission).

gnomAD v4.1: 9 of 1,585,156 alleles (0.00057%); highest among the groups gnomAD compares: Non-Finnish European, 0.00077%; no homozygotes.

Submission:

Labcorp Genetics (formerly Invitae), Labcorp
Classification: Uncertain significance. Last evaluated: 2025-10-01. Review status: criteria provided, single submitter. Criteria: Invitae Variant Classification Sherloc (09022015). Collection method: clinical testing. Allele origin: germline.
Comment: This sequence change replaces cysteine, which is neutral and slightly polar, with phenylalanine, which is neutral and non-polar, at codon 17 of the DLL1 protein (p.Cys17Phe). This variant is not present in population databases (gnomAD no frequency). This variant has not been reported in the literature in individuals affected with DLL1-related conditions. An algorithm developed to predict the effect of missense changes on protein structure and function (PolyPhen-2) suggests that this variant is likely to be disruptive. In summary, the available evidence is currently insufficient to determine the role of this variant in disease. Therefore, it has been classified as a Variant of Uncertain Significance.